The following is an entry in ClinVar:

NM_001267550.2(TTN):c.100040C>G (p.Ser33347Ter)

Genes: TTN (titin; minus strand), TTN-AS1 (TTN antisense RNA 1; plus strand), LOC126806420 (BRD4-independent group 4 enhancer GRCh37_chr2:179401104-179402303; plus strand). Cytogenetic location: 2q31.2.
Variant type: single nucleotide variant.
Coding change: c.100040C>G on transcript NM_001267550.2 (MANE Select); coding-DNA position 100040, C replaced by G.
Protein change: p.Ser33347Ter; replaces serine 33347 with a stop codon.
Molecular consequence: nonsense.
Genome position (GRCh38, 1-based): chr2:178,537,069, G>C on the plus strand (C>G on the coding strand, the complement: TTN is on the minus strand). VCF-style: chr2-178537069-G-C. GRCh37 (hg19) VCF-style: chr2-179401796-G-C.
Other names: p.Ser31706*; c.95117C>G, p.Ser31706Ter (NM_001256850.1); c.72845C>G, p.Ser24282Ter (NM_003319.4); c.92336C>G, p.Ser30779Ter (NM_133378.4); c.73220C>G, p.Ser24407Ter (NM_133432.3); c.73421C>G, p.Ser24474Ter (NM_133437.4); short protein forms S31706*, S24474*, S24282*, S30779*, S33347*, S24407*.
Identifiers: ClinVar variation 4540700 (VCV004540700.1).

ClinVar aggregate classification (germline): Likely pathogenic (1 of 4 stars; one submission).

Submission:

Mayo Clinic Laboratories, Mayo Clinic
Classification: Likely pathogenic. Last evaluated: 2025-04-05. Review status: criteria provided, single submitter. Criteria: ACMG Guidelines, 2015. Collection method: clinical testing. Allele origin: germline. Observed: 1 variant allele.
Comment: PM2_supporting, PVS1